The following is an entry in ClinVar:

ClinVar aggregate classification (germline): Uncertain significance (0 of 4 stars; one submission).

Conditions:
MC4R-related disorder. Also called: MC4R-related condition.

gnomAD v4.1: 1 of 1,614,198 alleles (0.000062%); highest among the groups gnomAD compares: South Asian, 0.0011%; no homozygotes.

Submission:

PreventionGenetics, part of Exact Sciences
Classification: Uncertain significance for MC4R-related condition. Last evaluated: 2024-07-23. Review status: no assertion criteria provided. Collection method: clinical testing. Allele origin: germline.
Comment: The MC4R c.985T>C variant is predicted to result in the amino acid substitution p.Ser329Pro. To our knowledge, this variant has not been reported in the literature. This variant is reported in 0.0033% of alleles in individuals of South Asian descent in gnomAD. At this time, the clinical significance of this variant is uncertain due to the absence of conclusive functional and genetic evidence.

NM_005912.3(MC4R):c.985T>C (p.Ser329Pro)

Gene: MC4R (melanocortin 4 receptor; minus strand). Cytogenetic location: 18q21.32.
Variant type: single nucleotide variant.
Coding change: c.985T>C on transcript NM_005912.3 (MANE Select); coding-DNA position 985, T replaced by C.
Protein change: p.Ser329Pro; replaces serine 329 with proline.
Molecular consequence: missense variant.
Genome position (GRCh38, 1-based): chr18:60,371,365, A>G on the plus strand (T>C on the coding strand, the complement: MC4R is on the minus strand). VCF-style: chr18-60371365-A-G. GRCh37 (hg19) VCF-style: chr18-58038598-A-G.
Other names: short protein forms S329P.
Identifiers: ClinVar variation 3347719 (VCV003347719.1).
Genomic context (GRCh38, chr18:60,371,365, plus strand): 5'-AAAAAGTCTCTTATGCATGTTCCTATATTGCGTGCTCTGTCCCCATTTAATATCTGCTAG[A>G]CAAGTCACAAAGGCCTCCCAGGGGATAGCAACAGATGATCTCTTTGAAGGTTTTCCTCAG-3'
Protein context (NP_005903.2, residues 319-332): CYPLGGLCDL[Ser329Pro]SRY